The following is an entry in ClinVar:

ClinVar aggregate classification (germline): Likely pathogenic (1 of 4 stars; one submission).

Submission:

GeneDx
Classification: Likely pathogenic. Last evaluated: 2017-08-18. Review status: criteria provided, single submitter. Criteria: GeneDx Variant Classification (06012015). Collection method: clinical testing. Allele origin: germline. Affected: yes.
Comment: The c.337-2A>C variant in the STAG3 gene has not been reported previously as a pathogenic variant nor as a benign variant, to our knowledge. This splice site variant destroys the canonical splice donor site in intron 10. It is predicted to cause abnormal gene splicing, either leading to an abnormal message that is subject to nonsense-mediated mRNA decay, or to an abnormal protein product if the message is used for protein translation. The c.337-2A>C variant is not observed in large population cohorts (Lek et al., 2016; 1000 Genomes Consortium et al., 2015; Exome Variant Server). We interpret c.337-2A>C as a likely pathogenic variant.

NM_001282717.2(STAG3):c.1065+1G>C

Gene: STAG3 (STAG3 cohesin complex component; plus strand). Cytogenetic location: 7q22.1.
Variant type: single nucleotide variant.
Coding change: c.1065+1G>C on transcript NM_001282717.2 (MANE Select); the canonical splice donor site of the intron after coding-DNA position 1065, G replaced by C.
Molecular consequence: splice donor variant.
Genome position (GRCh38, 1-based): chr7:100,197,280, G>C. VCF-style: chr7-100197280-G-C. GRCh37 (hg19) VCF-style: chr7-99794903-G-C.
Other names: c.1065+1G>C (NM_012447.4, NM_001375438.1, NM_001282716.1); c.891+1G>C (NM_001282718.2).
Identifiers: ClinVar variation 451296 (VCV000451296.2), dbSNP rs1554406947, ClinGen allele CA368492565.